The following is an entry in ClinVar:

NM_001276270.2(MBD4):c.1339T>C (p.Phe447Leu)

Gene: MBD4 (methyl-CpG binding domain 4, DNA glycosylase; minus strand). Cytogenetic location: 3q21.3.
Variant type: single nucleotide variant.
Coding change: c.1339T>C on transcript NM_001276270.2 (MANE Select); coding-DNA position 1339, T replaced by C.
Protein change: p.Phe447Leu; replaces phenylalanine 447 with leucine.
Molecular consequence: missense variant.
Genome position (GRCh38, 1-based): chr3:129,433,904, A>G on the plus strand (T>C on the coding strand, the complement: MBD4 is on the minus strand). VCF-style: chr3-129433904-A-G. GRCh37 (hg19) VCF-style: chr3-129152747-A-G.
Other names: c.1357T>C, p.Phe453Leu (NM_001276271.2, NM_001276272.2, NM_003925.3); c.403T>C, p.Phe135Leu (NM_001276273.2); short protein forms F135L, F447L, F453L.
Identifiers: ClinVar variation 2900451 (VCV002900451.4), dbSNP rs893067080, ClinGen allele CA82627501.
Genomic context (GRCh38, chr3:129,433,904, plus strand): 5'-CCAAACCTGAGGTCCGATTGAGAAATATAGTAGCGATGAGAAGCTTCCATGGATCATGAA[A>G]AAGTGTTTCTTGAACGAGATTAAAAGGTGACCGAGGAGGTGTCCATTTCTTAAAGGCTTT-3'
Protein context (NP_001263199.1, residues 437-457): SPFNLVQETL[Phe447Leu]HDPWKLLIAT

ClinVar aggregate classification (germline): Uncertain significance. Review status: criteria provided, multiple submitters, no conflicts (2 of 4 stars). 2 submissions from 2 submitters: Uncertain significance (2). Last evaluated 2025-12-22.

Conditions:
Inborn genetic diseases. Identifiers: MedGen C0950123, MeSH D030342.

Allele frequency attached by ClinVar (database versions not stated): gnomAD 0.00001; gnomAD exomes 0.00001; TOPMed 0.00001.

Submissions (2):

Labcorp Genetics (formerly Invitae), Labcorp
Classification: Uncertain significance. Last evaluated: 2025-12-22. Review status: criteria provided, single submitter. Criteria: Invitae Variant Classification Sherloc (09022015). Collection method: clinical testing. Allele origin: germline.
Comment: This sequence change replaces phenylalanine, which is neutral and non-polar, with leucine, which is neutral and non-polar, at codon 453 of the MBD4 protein (p.Phe453Leu). This variant is present in population databases (no rsID available, gnomAD 0.002%). This variant has not been reported in the literature in individuals affected with MBD4-related conditions. ClinVar contains an entry for this variant (Variation ID: 2900451). An algorithm developed to predict the effect of missense changes on protein structure and function (PolyPhen-2) suggests that this variant is likely to be tolerated. In summary, the available evidence is currently insufficient to determine the role of this variant in disease. Therefore, it has been classified as a Variant of Uncertain Significance.

Ambry Genetics
Classification: Uncertain significance for Inborn genetic diseases. Last evaluated: 2025-01-05. Review status: criteria provided, single submitter. Criteria: Ambry Variant Classification Scheme 2023. Collection method: clinical testing. Allele origin: germline.
Comment: The p.F447L variant (also known as c.1339T>C), located in coding exon 5 of the MBD4 gene, results from a T to C substitution at nucleotide position 1339. The phenylalanine at codon 447 is replaced by leucine, an amino acid with highly similar properties. This amino acid position is conserved. In addition, this alteration is predicted to be deleterious by in silico analysis. Based on the available evidence, the clinical significance of this variant remains unclear.